The following is an entry in ClinVar:

ClinVar aggregate classification (germline): Conflicting classifications of pathogenicity. Review status: criteria provided, conflicting classifications (1 of 4 stars). 5 submissions from 4 submitters: Uncertain significance (4); Likely benign (1). Last evaluated 2025-03-17.

Conditions:
Inborn genetic diseases. Identifiers: MedGen C0950123, MeSH D030342.
Leber congenital amaurosis 4 (LCA4). Identifiers: MedGen C1858386, MONDO:0011458, OMIM 604393.
Retinitis pigmentosa (RP). Identifiers: Orphanet 791, MedGen C0035334, MeSH D012174, MONDO:0019200, OMIM 268000. Inheritance: Autosomal dominant, autosomal recessive and X linked inheritance.

Allele frequency attached by ClinVar (database versions not stated): gnomAD exomes 0.00002 and 0.00004; gnomAD 0.00003; ExAC 0.00004; TOPMed 0.00005.
gnomAD v4.1: 41 of 1,610,518 alleles (0.0025%); highest among the groups gnomAD compares: Non-Finnish European, 0.00076%; no homozygotes.

Submissions (5):

Ambry Genetics
Classification: Uncertain significance for Inborn genetic diseases. Last evaluated: 2025-03-17. Review status: criteria provided, single submitter. Criteria: Ambry Variant Classification Scheme 2023. Collection method: clinical testing. Allele origin: germline.

Blueprint Genetics
Classification: Likely benign. Last evaluated: 2023-05-02. Review status: criteria provided, single submitter. Criteria: ACMG Guidelines, 2015. Collection method: clinical testing. Allele origin: germline.

Labcorp Genetics (formerly Invitae), Labcorp
Classification: Uncertain significance for Leber congenital amaurosis 4. Last evaluated: 2022-07-14. Review status: criteria provided, single submitter. Criteria: Invitae Variant Classification Sherloc (09022015). Collection method: clinical testing. Allele origin: germline.
Comment: This sequence change replaces alanine, which is neutral and non-polar, with threonine, which is neutral and polar, at codon 352 of the AIPL1 protein (p.Ala352Thr). This variant is present in population databases (rs751700711, gnomAD 0.07%). This variant has not been reported in the literature in individuals affected with AIPL1-related conditions. ClinVar contains an entry for this variant (Variation ID: 889339). Algorithms developed to predict the effect of missense changes on protein structure and function output the following: SIFT: "Tolerated"; PolyPhen-2: "Not Available"; Align-GVGD: "Class C0". The threonine amino acid residue is found in multiple mammalian species, which suggests that this missense change does not adversely affect protein function. In summary, the available evidence is currently insufficient to determine the role of this variant in disease. Therefore, it has been classified as a Variant of Uncertain Significance.

Illumina Laboratory Services, Illumina
Classification: Uncertain significance for Retinitis pigmentosa. Last evaluated: 2017-04-27. Review status: criteria provided, single submitter. Criteria: ICSL Variant Classification Criteria 13 December 2019. Collection method: clinical testing. Allele origin: germline.

Illumina Laboratory Services, Illumina
Classification: Uncertain significance for Leber congenital amaurosis 4. Last evaluated: 2017-04-27. Review status: criteria provided, single submitter. Criteria: ICSL Variant Classification Criteria 13 December 2019. Collection method: clinical testing. Allele origin: germline.

NM_014336.5(AIPL1):c.1054G>A (p.Ala352Thr)

Gene: AIPL1 (AIP like 1 HSP90 co-chaperone; minus strand). Cytogenetic location: 17p13.2.
Variant type: single nucleotide variant.
Coding change: c.1054G>A on transcript NM_014336.5 (MANE Select); coding-DNA position 1054, G replaced by A.
Protein change: p.Ala352Thr; replaces alanine 352 with threonine.
Molecular consequence: missense variant. On other transcripts: 3 prime UTR variant (1).
Genome position (GRCh38, 1-based): chr17:6,425,561, C>T on the plus strand (G>A on the coding strand, the complement: AIPL1 is on the minus strand). VCF-style: chr17-6425561-C-T. GRCh37 (hg19) VCF-style: chr17-6328881-C-T.
Other names: c.865G>A, p.Ala289Thr (NM_001033054.3); c.874G>A, p.Ala292Thr (NM_001033055.3); c.1018G>A, p.Ala340Thr (NM_001285399.3); c.988G>A, p.Ala330Thr (NM_001285400.3); c.982G>A, p.Ala328Thr (NM_001285401.3); c.937G>A, p.Ala313Thr (NM_001285402.2); c.*1025G>A (NM_001285403.4); short protein forms A289T, A292T, A313T, A328T, A330T, A340T, A352T.
Identifiers: ClinVar variation 889339 (VCV000889339.8), dbSNP rs751700711, ClinGen allele CA8328321.